The following is an entry in ClinVar:

ClinVar aggregate classification (germline): Uncertain significance (1 of 4 stars; one submission).

Allele frequency attached by ClinVar (database versions not stated): gnomAD exomes below 0.00001; TOPMed below 0.00001.

Submission:

Labcorp Genetics (formerly Invitae), Labcorp
Classification: Uncertain significance. Last evaluated: 2022-04-01. Review status: criteria provided, single submitter. Criteria: Invitae Variant Classification Sherloc (09022015). Collection method: clinical testing. Allele origin: germline.
Comment: In summary, the available evidence is currently insufficient to determine the role of this variant in disease. Therefore, it has been classified as a Variant of Uncertain Significance. Algorithms developed to predict the effect of missense changes on protein structure and function output the following: SIFT: "Tolerated"; PolyPhen-2: "Benign"; Align-GVGD: "Class C0". The lysine amino acid residue is found in multiple mammalian species, which suggests that this missense change does not adversely affect protein function. This sequence change replaces glutamine, which is neutral and polar, with lysine, which is basic and polar, at codon 222 of the PYCR1 protein (p.Gln222Lys). This variant is not present in population databases (gnomAD no frequency). This variant has not been reported in the literature in individuals affected with PYCR1-related conditions.

NM_006907.4(PYCR1):c.664C>A (p.Gln222Lys)

Gene: PYCR1 (pyrroline-5-carboxylate reductase 1; minus strand). Cytogenetic location: 17q25.3.
Variant type: single nucleotide variant.
Coding change: c.664C>A on transcript NM_006907.4 (MANE Select); coding-DNA position 664, C replaced by A.
Protein change: p.Gln222Lys; replaces glutamine 222 with lysine.
Molecular consequence: missense variant. On other transcripts: intron variant (1).
Genome position (GRCh38, 1-based): chr17:81,934,459, G>T on the plus strand (C>A on the coding strand, the complement: PYCR1 is on the minus strand). VCF-style: chr17-81934459-G-T. GRCh37 (hg19) VCF-style: chr17-79892335-G-T.
Other names: c.571C>A, p.Gln191Lys (NM_001282279.2); c.664C>A, p.Gln222Lys (NM_001282280.2, NM_153824.3); c.745C>A, p.Gln249Lys (NM_001282281.2); c.633+194C>A (NM_001330523.2); short protein forms Q222K, Q191K, Q249K.
Identifiers: ClinVar variation 1911061 (VCV001911061.3), dbSNP rs2041103071, ClinGen allele CA401537206.